The following is an entry in ClinVar:

NM_001673.5(ASNS):c.8G>A (p.Gly3Asp)

Genes: CZ1P-ASNS (CZ1P-ASNS readthrough; minus strand), ASNS (asparagine synthetase (glutamine-hydrolyzing); minus strand). Cytogenetic location: 7q21.3.
Variant type: single nucleotide variant.
Coding change: c.8G>A on transcript NM_001673.5 (MANE Select); coding-DNA position 8, G replaced by A.
Protein change: p.Gly3Asp; replaces glycine 3 with aspartic acid.
Molecular consequence: missense variant. On other transcripts: non-coding transcript variant (1), intron variant (3).
Genome position (GRCh38, 1-based): chr7:97,869,149, C>T on the plus strand (G>A on the coding strand, the complement: ASNS is on the minus strand). VCF-style: chr7-97869149-C-T. GRCh37 (hg19) VCF-style: chr7-97498461-C-T.
Other names: c.8G>A, p.Gly3Asp (NM_001352496.2, NM_133436.3, NM_183356.4); c.-1+3202G>A (NM_001178076.2); c.-12-44G>A (NM_001178075.2); c.-1+2892G>A (NM_001178077.1); short protein forms G3D.
Identifiers: ClinVar variation 1417916 (VCV001417916.5), dbSNP rs2115755580, ClinGen allele CA368274583.

ClinVar aggregate classification (germline): Uncertain significance (1 of 4 stars; one submission).

Submission:

Labcorp Genetics (formerly Invitae), Labcorp
Classification: Uncertain significance. Last evaluated: 2021-08-28. Review status: criteria provided, single submitter. Criteria: Invitae Variant Classification Sherloc (09022015). Collection method: clinical testing. Allele origin: germline.
Comment: This sequence change replaces glycine with aspartic acid at codon 3 of the ASNS protein (p.Gly3Asp). The glycine residue is highly conserved and there is a moderate physicochemical difference between glycine and aspartic acid. This variant is not present in population databases (ExAC no frequency). This variant has not been reported in the literature in individuals affected with ASNS-related conditions. Algorithms developed to predict the effect of missense changes on protein structure and function are either unavailable or do not agree on the potential impact of this missense change (SIFT: "Deleterious"; PolyPhen-2: "Probably Damaging"; Align-GVGD: "Class C0"). In summary, the available evidence is currently insufficient to determine the role of this variant in disease. Therefore, it has been classified as a Variant of Uncertain Significance.